The following is an entry in ClinVar:

NM_005263.5(GFI1):c.886G>T (p.Ala296Ser)

Gene: GFI1 (growth factor independent 1 transcriptional repressor; minus strand). Cytogenetic location: 1p22.1.
Variant type: single nucleotide variant.
Coding change: c.886G>T on transcript NM_005263.5 (MANE Select); coding-DNA position 886, G replaced by T.
Protein change: p.Ala296Ser; replaces alanine 296 with serine.
Molecular consequence: missense variant.
Genome position (GRCh38, 1-based): chr1:92,480,386, C>A on the plus strand (G>T on the coding strand, the complement: GFI1 is on the minus strand). VCF-style: chr1-92480386-C-A. GRCh37 (hg19) VCF-style: chr1-92945943-C-A.
Other names: c.886G>T, p.Ala296Ser (NM_001127215.3, NM_001127216.3); short protein forms A296S.
Identifiers: ClinVar variation 3519853 (VCV003519853.1).

ClinVar aggregate classification (germline): Uncertain significance (1 of 4 stars; one submission).

gnomAD v4.1: 1 of 1,550,266 alleles (0.000065%); highest among the groups gnomAD compares: East Asian, 0.0024%; no homozygotes.

Submission:

Ambry Genetics
Classification: Uncertain significance. Last evaluated: 2024-12-08. Review status: criteria provided, single submitter. Criteria: Ambry Variant Classification Scheme 2023. Collection method: clinical testing. Allele origin: germline.
Comment: The p.A296S variant (also known as c.886G>T), located in coding exon 4 of the GFI1 gene, results from a G to T substitution at nucleotide position 886. The alanine at codon 296 is replaced by serine, an amino acid with similar properties. This amino acid position is conserved. In addition, this alteration is predicted to be tolerated by in silico analysis. Based on the available evidence, the clinical significance of this variant remains unclear.